The following is an entry in ClinVar:

NM_001252024.2(TRPM1):c.823G>A (p.Val275Met)

Gene: TRPM1 (transient receptor potential cation channel subfamily M member 1; minus strand). Cytogenetic location: 15q13.3.
Variant type: single nucleotide variant.
Coding change: c.823G>A on transcript NM_001252024.2 (MANE Select); coding-DNA position 823, G replaced by A.
Protein change: p.Val275Met; replaces valine 275 with methionine.
Molecular consequence: missense variant.
Genome position (GRCh38, 1-based): chr15:31,063,260, C>T on the plus strand (G>A on the coding strand, the complement: TRPM1 is on the minus strand). VCF-style: chr15-31063260-C-T. GRCh37 (hg19) VCF-style: chr15-31355463-C-T.
Other names: c.874G>A, p.Val292Met (NM_001252020.2); c.757G>A, p.Val253Met (NM_002420.6); c.874G>A (NM_001252020.1); short protein forms V253M, V292M, V275M.
Identifiers: ClinVar variation 839236 (VCV000839236.10), dbSNP rs202031791, ClinGen allele CA7452789.
Genomic context (GRCh38, chr15:31,063,260, plus strand): 5'-GAGGCTCTTCTTGCAGGTATTCCAAGACGATGGACACCACGTTAGGGCCCCCCTCCACCA[C>T]GAGACCCACGAGGGGCACGCCCTGCCCCAGTCCTGCAACACAAACCACATTCGCCCATAC-3'
Protein context (NP_001238953.1, residues 265-285): LGQGVPLVGL[Val275Met]VEGGPNVVSI

ClinVar aggregate classification (germline): Likely benign. Review status: criteria provided, multiple submitters, no conflicts (2 of 4 stars). 3 submissions from 3 submitters: Likely benign (3). Last evaluated 2025-10-25.

Conditions:
TRPM1-related disorder. Also called: TRPM1-related condition.

Allele frequency attached by ClinVar (database versions not stated): 1000 Genomes Project 30x 0.00016; 1000 Genomes Project 0.00020; ESP Exome Variant Server 0.00024; TOPMed 0.00045.
gnomAD v4.1: 593 of 1,614,168 alleles (0.037%); highest among the groups gnomAD compares: African/African-American, 0.12%; no homozygotes.

Submissions (3):

Labcorp Genetics (formerly Invitae), Labcorp
Classification: Likely benign. Last evaluated: 2025-10-25. Review status: criteria provided, single submitter. Criteria: Invitae Variant Classification Sherloc (09022015). Collection method: clinical testing. Allele origin: germline.

PreventionGenetics, part of Exact Sciences
Classification: Likely benign for TRPM1-related condition. Last evaluated: 2025-01-15. Review status: criteria provided, single submitter. Criteria: ACMG Guidelines, 2015. Collection method: clinical testing. Allele origin: germline.
Comment: This variant is classified as likely benign based on ACMG/AMP sequence variant interpretation guidelines (Richards et al. 2015 PMID: 25741868, with internal and published modifications).

Blueprint Genetics
Classification: Likely benign. Last evaluated: 2024-11-26. Review status: criteria provided, single submitter. Criteria: ACMG Guidelines, 2015. Collection method: clinical testing. Allele origin: germline.